The following is an entry in ClinVar:

NM_000218.3(KCNQ1):c.1514+28877G>A

Genes: KCNQ1 (potassium voltage-gated channel subfamily Q member 1; plus strand), KCNQ1OT1 (KCNQ1 opposite strand/antisense transcript 1; minus strand). Cytogenetic location: 11p15.5.
Variant type: single nucleotide variant.
Coding change: c.1514+28877G>A on transcript NM_000218.3 (MANE Select); 28877 bases into the intron after coding-DNA position 1514, G replaced by A.
Molecular consequence: intron variant. On other transcripts: non-coding transcript variant (1).
Genome position (GRCh38, 1-based): chr11:2,690,958, G>A. VCF-style: chr11-2690958-G-A. GRCh37 (hg19) VCF-style: chr11-2712188-G-A.
Other names: c.1133+28877G>A (NM_181798.2); c.1244+28877G>A (NM_001406837.1); c.1418+28877G>A (NM_001406836.1); c.974+28877G>A (NM_001406838.1).
Identifiers: ClinVar variation 4872401 (VCV004872401.2).

ClinVar aggregate classification (germline): Likely benign (1 of 4 stars; one submission).

gnomAD v4.1: 61 of 398,656 alleles (0.015%); highest among the groups gnomAD compares: Admixed American, 0.25%; no homozygotes.

Submission:

CeGaT Center for Human Genetics Tuebingen
Classification: Likely benign. Last evaluated: 2026-06-01. Review status: criteria provided, single submitter. Criteria: CeGaT Center For Human Genetics Tuebingen Variant Classification Criteria Version 2. Collection method: clinical testing. Allele origin: germline. Affected: yes. Observed: 1 variant allele.
Comment: KCNQ1OT1: BS1